The following is an entry in ClinVar:

ClinVar aggregate classification (germline): Uncertain significance (1 of 4 stars; one submission).

Conditions:
Neuroblastoma, susceptibility to, 3. Also called: ALK-Related Neuroblastic Tumor Susceptibility. Identifiers: Orphanet 635, MedGen C2751681, MONDO:0013083, OMIM 613014.

Submission:

Labcorp Genetics (formerly Invitae), Labcorp
Classification: Uncertain significance for Neuroblastoma, susceptibility to, 3. Last evaluated: 2022-09-08. Review status: criteria provided, single submitter. Criteria: Invitae Variant Classification Sherloc (09022015). Collection method: clinical testing. Allele origin: germline.
Comment: This sequence change replaces valine, which is neutral and non-polar, with isoleucine, which is neutral and non-polar, at codon 1463 of the ALK protein (p.Val1463Ile). In summary, the available evidence is currently insufficient to determine the role of this variant in disease. Therefore, it has been classified as a Variant of Uncertain Significance. Algorithms developed to predict the effect of missense changes on protein structure and function (SIFT, PolyPhen-2, Align-GVGD) all suggest that this variant is likely to be tolerated. This variant has not been reported in the literature in individuals affected with ALK-related conditions. This variant is not present in population databases (gnomAD no frequency).

NM_004304.5(ALK):c.4387G>A (p.Val1463Ile)

Gene: ALK (ALK receptor tyrosine kinase; minus strand). Cytogenetic location: 2p23.2.
Variant type: single nucleotide variant.
Coding change: c.4387G>A on transcript NM_004304.5 (MANE Select); coding-DNA position 4387, G replaced by A.
Protein change: p.Val1463Ile; replaces valine 1463 with isoleucine.
Molecular consequence: missense variant.
Genome position (GRCh38, 1-based): chr2:29,193,700, C>T on the plus strand (G>A on the coding strand, the complement: ALK is on the minus strand). VCF-style: chr2-29193700-C-T. GRCh37 (hg19) VCF-style: chr2-29416566-C-T.
Other names: c.1183G>A, p.Val395Ile (NM_001353765.2); short protein forms V1463I, V395I.
Identifiers: ClinVar variation 1718964 (VCV001718964.5), dbSNP rs2148138487, ClinGen allele CA346462262.